The following is an entry in ClinVar:

NM_022173.4(TIA1):c.880G>C (p.Val294Leu)

Gene: TIA1 (TIA1 cytotoxic granule associated RNA binding protein; minus strand). Cytogenetic location: 2p13.3.
Variant type: single nucleotide variant.
Coding change: c.880G>C on transcript NM_022173.4 (MANE Select); coding-DNA position 880, G replaced by C.
Protein change: p.Val294Leu; replaces valine 294 with leucine.
Molecular consequence: missense variant. On other transcripts: non-coding transcript variant (17).
Genome position (GRCh38, 1-based): chr2:70,215,379, C>G on the plus strand (G>C on the coding strand, the complement: TIA1 is on the minus strand). VCF-style: chr2-70215379-C-G. GRCh37 (hg19) VCF-style: chr2-70442511-C-G.
Other names: c.880G>C, p.Val294Leu (NM_001351508.2); c.853G>C, p.Val285Leu (NM_001351509.2); c.847G>C, p.Val283Leu (NM_001351510.2, NM_022037.4); c.769G>C, p.Val257Leu (NM_001351511.1); c.742G>C, p.Val248Leu (NM_001351512.1); c.736G>C, p.Val246Leu (NM_001351513.1); c.652G>C, p.Val218Leu (NM_001351514.2); c.577G>C, p.Val193Leu (NM_001351515.2); and 1 more; short protein forms V154L, V193L, V218L, V246L, V248L, V257L, V283L, V285L.
Identifiers: ClinVar variation 1720277 (VCV001720277.5), dbSNP rs144296151, ClinGen allele CA1697457.
Genomic context (GRCh38, chr2:70,215,379, plus strand): 5'-AAATAACATTATTAGCCCAACAATTACTTCTCAAAGTTAAGAACCCTCTCACCTGTTGCA[C>G]GGGATTTATCATATCAAGAGTTTCTTTGCCCCAATAGCATTTCACAACATGACCTTCAAT-3'
Protein context (NP_071505.2, residues 284-304): GKETLDMINP[Val294Leu]QQQNQIGYPQ

ClinVar aggregate classification (germline): Uncertain significance (1 of 4 stars; one submission).

Conditions:
Welander distal myopathy (WDM). Also called: MUSCULAR DYSTROPHY, DISTAL, LATE-ONSET, AUTOSOMAL DOMINANT; Gower's muscular dystrophy; Welander distal myopathy, Swedish type; Distal myopathy, Swedish type. Identifiers: Orphanet 603, MedGen C0221054, MONDO:0011466, OMIM 604454.

gnomAD v4.1: 6 of 1,613,884 alleles (0.00037%); no homozygotes.

Submission:

Labcorp Genetics (formerly Invitae), Labcorp
Classification: Uncertain significance for Welander distal myopathy. Last evaluated: 2022-12-26. Review status: criteria provided, single submitter. Criteria: Invitae Variant Classification Sherloc (09022015). Collection method: clinical testing. Allele origin: germline.
Comment: This variant is present in population databases (rs144296151, gnomAD 0.009%). In summary, the available evidence is currently insufficient to determine the role of this variant in disease. Therefore, it has been classified as a Variant of Uncertain Significance. Algorithms developed to predict the effect of missense changes on protein structure and function (SIFT, PolyPhen-2, Align-GVGD) all suggest that this variant is likely to be tolerated. ClinVar contains an entry for this variant (Variation ID: 1720277). This variant has not been reported in the literature in individuals affected with TIA1-related conditions. This sequence change replaces valine, which is neutral and non-polar, with leucine, which is neutral and non-polar, at codon 294 of the TIA1 protein (p.Val294Leu).